The following is an entry in ClinVar:

ClinVar aggregate classification (germline): Uncertain significance. Review status: criteria provided, multiple submitters, no conflicts (2 of 4 stars). 2 submissions from 2 submitters: Uncertain significance (2). Last evaluated 2024-12-17.

Conditions:
Cardiovascular phenotype. Identifiers: MedGen CN230736.
Walker-Warburg congenital muscular dystrophy. Also called: Muscular dystrophy-dystroglycanopathy, type A; Walker-Warburg syndrome. Identifiers: Orphanet 899, MedGen C0265221, MONDO:0000171.

Allele frequency attached by ClinVar (database versions not stated): ExAC 0.00001; gnomAD exomes 0.00001.

Submissions (2):

Ambry Genetics
Classification: Uncertain significance for Cardiovascular phenotype. Last evaluated: 2024-12-17. Review status: criteria provided, single submitter. Criteria: Ambry Variant Classification Scheme 2023. Collection method: clinical testing. Allele origin: germline.
Comment: The p.R37Q variant (also known as c.110G>A), located in coding exon 1 of the FKRP gene, results from a G to A substitution at nucleotide position 110. The arginine at codon 37 is replaced by glutamine, an amino acid with highly similar properties. This amino acid position is conserved. In addition, the in silico prediction for this alteration is inconclusive. Based on the available evidence, the clinical significance of this variant remains unclear.

Labcorp Genetics (formerly Invitae), Labcorp
Classification: Uncertain significance for Walker-Warburg congenital muscular dystrophy. Last evaluated: 2021-08-24. Review status: criteria provided, single submitter. Criteria: Invitae Variant Classification Sherloc (09022015). Collection method: clinical testing. Allele origin: germline.
Comment: This sequence change replaces arginine with glutamine at codon 37 of the FKRP protein (p.Arg37Gln). The arginine residue is moderately conserved and there is a small physicochemical difference between arginine and glutamine. This variant is present in population databases (rs779317138, ExAC 0.02%). This variant has not been reported in the literature in individuals affected with FKRP-related conditions. Algorithms developed to predict the effect of missense changes on protein structure and function (SIFT, PolyPhen-2, Align-GVGD) all suggest that this variant is likely to be tolerated. Algorithms developed to predict the effect of sequence changes on RNA splicing suggest that this variant may create or strengthen a splice site. In summary, the available evidence is currently insufficient to determine the role of this variant in disease. Therefore, it has been classified as a Variant of Uncertain Significance.

NM_024301.5(FKRP):c.110G>A (p.Arg37Gln)

Gene: FKRP (fukutin related protein; plus strand). Cytogenetic location: 19q13.32.
Variant type: single nucleotide variant.
Coding change: c.110G>A on transcript NM_024301.5 (MANE Select); coding-DNA position 110, G replaced by A.
Protein change: p.Arg37Gln; replaces arginine 37 with glutamine.
Molecular consequence: missense variant.
Genome position (GRCh38, 1-based): chr19:46,755,560, G>A. VCF-style: chr19-46755560-G-A. GRCh37 (hg19) VCF-style: chr19-47258817-G-A.
Other names: c.110G>A, p.Arg37Gln (NM_001039885.3); c.110G>A (NM_024301.4); short protein forms R37Q.
Identifiers: ClinVar variation 1371286 (VCV001371286.6), dbSNP rs779317138, ClinGen allele CA9532110.